The following is an entry in ClinVar:

ClinVar aggregate classification (germline): Uncertain significance (1 of 4 stars; one submission).

Conditions:
Autosomal dominant Parkinson disease 8. Also called: Parkinson disease 8, susceptibility to; LRRK2-Related Parkinson Disease; Parkinson disease 8. Identifiers: Orphanet 411602, MedGen C1846862, MONDO:0011764, OMIM 607060.

Allele frequency attached by ClinVar (database versions not stated): gnomAD exomes below 0.00001 and 0.00001; gnomAD 0.00001; ExAC 0.00002.

Submission:

Labcorp Genetics (formerly Invitae), Labcorp
Classification: Uncertain significance for Autosomal dominant Parkinson disease 8. Last evaluated: 2022-02-05. Review status: criteria provided, single submitter. Criteria: Invitae Variant Classification Sherloc (09022015). Collection method: clinical testing. Allele origin: germline.
Comment: ClinVar contains an entry for this variant (Variation ID: 641128). In summary, the available evidence is currently insufficient to determine the role of this variant in disease. Therefore, it has been classified as a Variant of Uncertain Significance. Algorithms developed to predict the effect of missense changes on protein structure and function are either unavailable or do not agree on the potential impact of this missense change (SIFT: "Deleterious"; PolyPhen-2: "Possibly Damaging"; Align-GVGD: "Class C0"). This variant has not been reported in the literature in individuals affected with LRRK2-related conditions. This variant is present in population databases (rs376533552, gnomAD 0.01%). This sequence change replaces methionine, which is neutral and non-polar, with threonine, which is neutral and polar, at codon 1788 of the LRRK2 protein (p.Met1788Thr).

NM_198578.4(LRRK2):c.5363T>C (p.Met1788Thr)

Gene: LRRK2 (leucine rich repeat kinase 2; plus strand). Cytogenetic location: 12q12.
Variant type: single nucleotide variant.
Coding change: c.5363T>C on transcript NM_198578.4 (MANE Select); coding-DNA position 5363, T replaced by C.
Protein change: p.Met1788Thr; replaces methionine 1788 with threonine.
Molecular consequence: missense variant.
Genome position (GRCh38, 1-based): chr12:40,322,364, T>C. VCF-style: chr12-40322364-T-C. GRCh37 (hg19) VCF-style: chr12-40716166-T-C.
Other names: short protein forms M1788T.
Identifiers: ClinVar variation 641128 (VCV000641128.10), dbSNP rs376533552, ClinGen allele CA6514433.